The following is an entry in ClinVar:

ClinVar aggregate classification (germline): Uncertain significance (1 of 4 stars; one submission).

Conditions:
Capillary malformation-arteriovenous malformation 2 (CMAVM2). Identifiers: Orphanet 693912, MedGen C4748670, MONDO:0020785, OMIM 618196.

gnomAD v4.1: 2 of 1,590,472 alleles (0.00013%); highest among the groups gnomAD compares: Admixed American, 0.0035%; no homozygotes.

Submission:

Clinical Genomics Laboratory, Washington University in St. Louis
Classification: Uncertain significance for Capillary malformation-arteriovenous malformation 2. Last evaluated: 2025-01-21. Review status: criteria provided, single submitter. Criteria: ACMG Guidelines, 2015. Collection method: clinical testing. Allele origin: germline.
Comment: An EPHB4 c.1470C>G (p.Asn490Lys) variant was identified at a near heterozygous allelic fraction of 50.5%, a frequency which may be consistent with it being of germline origin. This variant, to our knowledge, has not been reported in the medical literature. It is only observed on 2/1,590,472 alleles in the general population (gnomAD v.4.1.0), indicating it is not a common variant. Computational predictors suggest that the variant does not impact EPHB4 function. Due to limited information, and based on ACMG/AMP guidelines for variant interpretation (Richards S et al., PMID: 25741868), the clinical significance of the EPHB4 c.1470C>G (p.Asn490Lys) variant is uncertain at this time.

NM_004444.5(EPHB4):c.1470C>G (p.Asn490Lys)

Gene: EPHB4 (EPH receptor B4; minus strand). Cytogenetic location: 7q22.1.
Variant type: single nucleotide variant.
Coding change: c.1470C>G on transcript NM_004444.5 (MANE Select); coding-DNA position 1470, C replaced by G.
Protein change: p.Asn490Lys; replaces asparagine 490 with lysine.
Molecular consequence: missense variant.
Genome position (GRCh38, 1-based): chr7:100,817,310, G>C on the plus strand (C>G on the coding strand, the complement: EPHB4 is on the minus strand). VCF-style: chr7-100817310-G-C. GRCh37 (hg19) VCF-style: chr7-100414932-G-C.
Other names: short protein forms N490K.
Identifiers: ClinVar variation 4279857 (VCV004279857.1).